The following is an entry in ClinVar:

NM_003491.4(NAA10):c.678C>A (p.Asp226Glu)

Gene: NAA10 (N-alpha-acetyltransferase 10, NatA catalytic subunit; minus strand). Cytogenetic location: Xq28.
Variant type: single nucleotide variant.
Coding change: c.678C>A on transcript NM_003491.4 (MANE Select); coding-DNA position 678, C replaced by A.
Protein change: p.Asp226Glu; replaces aspartic acid 226 with glutamic acid.
Molecular consequence: missense variant.
Genome position (GRCh38, 1-based): chrX:153,930,017, G>T on the plus strand (C>A on the coding strand, the complement: NAA10 is on the minus strand). VCF-style: chrX-153930017-G-T. GRCh37 (hg19) VCF-style: chrX-153195470-G-T.
Other names: c.633C>A, p.Asp211Glu (NM_001256119.2); c.660C>A, p.Asp220Glu (NM_001256120.2); short protein forms D211E, D220E, D226E.
Identifiers: ClinVar variation 4537721 (VCV004537721.1).
Genomic context (GRCh38, chrX:153,930,017, plus strand): 5'-TCGTGGGGTGAGGAGGGGATGGGGCAGGCTCTAGGAGGCTGAGTCGGAGGCCTCTGAGCT[G>T]TCCTTGACATCTGTGCTCTCTGTGGTCTCGCTGACCTCGCTGAGGTCCTTGCTGTCCCCA-3'
Protein context (NP_003482.1, residues 216-235): SETTESTDVK[Asp226Glu]SSEASDSAS

ClinVar aggregate classification (germline): Uncertain significance (1 of 4 stars; one submission).

gnomAD v4.1: 4 of 1,208,871 alleles (0.00033%); highest among the groups gnomAD compares: African/African-American, 0.007%; no homozygotes.

Submission:

GeneDx
Classification: Uncertain significance. Last evaluated: 2025-06-11. Review status: criteria provided, single submitter. Criteria: GeneDx Variant Classification Process June 2021. Collection method: clinical testing. Allele origin: germline. Affected: yes.
Comment: In silico analysis suggests that this missense variant does not alter protein structure/function; Has not been previously published as pathogenic or benign to our knowledge